The following is an entry in ClinVar:

NM_001382391.1(CSPP1):c.1222G>C (p.Gly408Arg)

Gene: CSPP1 (centrosome and spindle pole associated protein 1; plus strand). Cytogenetic location: 8q13.2.
Variant type: single nucleotide variant.
Coding change: c.1222G>C on transcript NM_001382391.1 (MANE Select); coding-DNA position 1222, G replaced by C.
Protein change: p.Gly408Arg; replaces glycine 408 with arginine.
Molecular consequence: missense variant.
Genome position (GRCh38, 1-based): chr8:67,113,839, G>C. VCF-style: chr8-67113839-G-C. GRCh37 (hg19) VCF-style: chr8-68026074-G-C.
Other names: c.367G>C, p.Gly123Arg (NM_001291339.2); c.1141G>C, p.Gly381Arg (NM_001363131.2, NM_001363133.2); c.1222G>C, p.Gly408Arg (NM_001363132.2); c.1330G>C, p.Gly444Arg (NM_001364869.1); c.1150G>C, p.Gly384Arg (NM_001364870.1); c.1249G>C, p.Gly417Arg (NM_024790.7); short protein forms G123R, G381R, G384R, G408R, G417R, G444R.
Identifiers: ClinVar variation 1307884 (VCV001307884.2), dbSNP rs1817378097, ClinGen allele CA371197657.

ClinVar aggregate classification (germline): Uncertain significance (1 of 4 stars; one submission).

Allele frequency attached by ClinVar (database versions not stated): TOPMed below 0.00001; gnomAD exomes below 0.00001.
gnomAD v4.1: 5 of 1,593,074 alleles (0.00031%); highest among the groups gnomAD compares: Non-Finnish European, 0.00043%; no homozygotes.

Submission:

GeneDx
Classification: Uncertain significance. Last evaluated: 2019-08-26. Review status: criteria provided, single submitter. Criteria: GeneDx Variant Classification Process June 2021. Collection method: clinical testing. Allele origin: germline. Affected: yes.
Comment: Has not been previously published as pathogenic or benign to our knowledge; Not observed in large population cohorts (Lek et al., 2016); In silico analysis, which includes protein predictors and evolutionary conservation, supports a deleterious effect